The following is an entry in ClinVar:

NM_001734.5(C1S):c.748T>C (p.Tyr250His)

Gene: C1S (complement C1s; plus strand). Cytogenetic location: 12p13.31.
Variant type: single nucleotide variant.
Coding change: c.748T>C on transcript NM_001734.5 (MANE Select); coding-DNA position 748, T replaced by C.
Protein change: p.Tyr250His; replaces tyrosine 250 with histidine.
Molecular consequence: missense variant.
Genome position (GRCh38, 1-based): chr12:7,065,847, T>C. VCF-style: chr12-7065847-T-C. GRCh37 (hg19) VCF-style: chr12-7173151-T-C.
Other names: c.247T>C, p.Tyr83His (NM_001346850.2); c.748T>C, p.Tyr250His (NM_201442.4); short protein forms Y250H, Y83H.
Identifiers: ClinVar variation 1998039 (VCV001998039.4), dbSNP rs2539600014, ClinGen allele CA383696902.

ClinVar aggregate classification (germline): Uncertain significance (1 of 4 stars; one submission).

Submission:

Labcorp Genetics (formerly Invitae), Labcorp
Classification: Uncertain significance. Last evaluated: 2022-05-22. Review status: criteria provided, single submitter. Criteria: Invitae Variant Classification Sherloc (09022015). Collection method: clinical testing. Allele origin: germline.
Comment: In summary, the available evidence is currently insufficient to determine the role of this variant in disease. Therefore, it has been classified as a Variant of Uncertain Significance. Algorithms developed to predict the effect of missense changes on protein structure and function (SIFT, PolyPhen-2, Align-GVGD) all suggest that this variant is likely to be disruptive. This variant is not present in population databases (gnomAD no frequency). This sequence change replaces tyrosine, which is neutral and polar, with histidine, which is basic and polar, at codon 250 of the C1S protein (p.Tyr250His). This variant has not been reported in the literature in individuals affected with C1S-related conditions.